The following is an entry in ClinVar:

ClinVar aggregate classification (germline): Uncertain significance (1 of 4 stars; one submission).

Allele frequency attached by ClinVar (database versions not stated): gnomAD exomes below 0.00001 and 0.00001; ExAC 0.00002; gnomAD 0.00002 and 0.00003; TOPMed 0.00003; ESP Exome Variant Server 0.00008.
gnomAD v4.1: 7 of 1,613,630 alleles (0.00043%); highest among the groups gnomAD compares: African/African-American, 0.0067%; no homozygotes.

Submission:

Labcorp Genetics (formerly Invitae), Labcorp
Classification: Uncertain significance. Last evaluated: 2024-12-02. Review status: criteria provided, single submitter. Criteria: Invitae Variant Classification Sherloc (09022015). Collection method: clinical testing. Allele origin: germline.
Comment: This sequence change replaces proline, which is neutral and non-polar, with serine, which is neutral and polar, at codon 66 of the CTSB protein (p.Pro66Ser). This variant is present in population databases (rs142988675, gnomAD 0.008%). This variant has not been reported in the literature in individuals affected with CTSB-related conditions. ClinVar contains an entry for this variant (Variation ID: 1465703). An algorithm developed to predict the effect of missense changes on protein structure and function (PolyPhen-2) suggests that this variant is likely to be tolerated. In summary, the available evidence is currently insufficient to determine the role of this variant in disease. Therefore, it has been classified as a Variant of Uncertain Significance.

NM_001908.5(CTSB):c.196C>T (p.Pro66Ser)

Gene: CTSB (cathepsin B). Cytogenetic location: 8p23.1.
Variant type: single nucleotide variant.
Coding change: c.196C>T on transcript NM_001908.5 (MANE Select); coding-DNA position 196, C replaced by T.
Protein change: p.Pro66Ser; replaces proline 66 with serine.
Molecular consequence: missense variant. On other transcripts: 5 prime UTR variant (1).
Genome position (GRCh38, 1-based): chr8:11,852,626, G>A on the plus strand (C>T on the coding strand, the complement: CTSB is on the minus strand). VCF-style: chr8-11852626-G-A. GRCh37 (hg19) VCF-style: chr8-11710135-G-A.
Other names: c.-58C>T (NM_001317237.2); c.196C>T, p.Pro66Ser (NM_001384714.1, NM_001384723.1, NM_001384724.1 and 8 more transcripts); short protein forms P66S.
Identifiers: ClinVar variation 1465703 (VCV001465703.8), dbSNP rs142988675, ClinGen allele CA4633113.